The following is an entry in ClinVar:

NM_000051.4(ATM):c.3045A>G (p.Gln1015=)

Gene: ATM (ATM serine/threonine kinase; plus strand). Cytogenetic location: 11q22.3.
Variant type: single nucleotide variant.
Coding change: c.3045A>G on transcript NM_000051.4 (MANE Select); coding-DNA position 3045, A replaced by G.
Protein change: p.Gln1015=; no amino-acid change (glutamine 1015 retained).
Molecular consequence: synonymous variant.
Genome position (GRCh38, 1-based): chr11:108,271,374, A>G. VCF-style: chr11-108271374-A-G. GRCh37 (hg19) VCF-style: chr11-108142101-A-G.
Other names: c.3045A>G, p.Gln1015= (NM_001351834.2).
Identifiers: ClinVar variation 1152483 (VCV001152483.10), dbSNP rs1064796404, ClinGen allele CA476674421.

ClinVar aggregate classification (germline): Benign/Likely benign. Review status: criteria provided, multiple submitters, no conflicts (2 of 4 stars). 2 submissions from 2 submitters: Benign (1); Likely benign (1). Last evaluated 2024-05-13.

Conditions:
Familial cancer of breast. Also called: BREAST CANCER, FAMILIAL; Hereditary breast cancer; hereditary breast carcinoma. Identifiers: Orphanet 227535, MedGen C0346153, MONDO:0016419, OMIM 114480. Disease mechanism: loss of function.
Ataxia-telangiectasia syndrome (AT). Also called: Ataxia-telangiectasia; Cerebello-oculocutaneous telangiectasia; Immunodeficiency with ataxia telangiectasia; Ataxia-telangiectasia, complementation group D; AT, COMPLEMENTATION GROUP C; Ataxia telangiectasia (A-T). Identifiers: Orphanet 100, MedGen C0004135, MONDO:0008840, OMIM 208900.

Submissions (2):

Myriad Genetics, Inc.
Classification: Benign for Familial cancer of breast. Last evaluated: 2024-05-13. Review status: criteria provided, single submitter. Criteria: Myriad Autosomal Dominant, Autosomal Recessive and X-Linked Classification Criteria (2023). Collection method: clinical testing. Allele origin: unknown.
Comment: This variant is considered benign. This variant is a silent/synonymous amino acid change and it is not expected to impact splicing.

Labcorp Genetics (formerly Invitae), Labcorp
Classification: Likely benign for Ataxia-telangiectasia syndrome. Last evaluated: 2021-10-12. Review status: criteria provided, single submitter. Criteria: Invitae Variant Classification Sherloc (09022015). Collection method: clinical testing. Allele origin: germline.